The following is an entry in ClinVar:

ClinVar aggregate classification (germline): Pathogenic (1 of 4 stars; one submission).

Submission:

Labcorp Genetics (formerly Invitae), Labcorp
Classification: Pathogenic. Last evaluated: 2023-07-19. Review status: criteria provided, single submitter. Criteria: Invitae Variant Classification Sherloc (09022015). Collection method: clinical testing. Allele origin: germline.
Comment: For these reasons, this variant has been classified as Pathogenic. This premature translational stop signal has been observed in individual(s) with choroideremia (PMID: 23811034). This variant is not present in population databases (gnomAD no frequency). This sequence change creates a premature translational stop signal (p.Tyr42*) in the CHM gene. It is expected to result in an absent or disrupted protein product. Loss-of-function variants in CHM are known to be pathogenic (PMID: 9067750, 23811034).

Literature cited by the submitters: PubMed 23811034; PubMed 9067750.

NM_000390.4(CHM):c.126C>A (p.Tyr42Ter)

Gene: CHM (CHM Rab escort protein; minus strand). Cytogenetic location: Xq21.2.
Variant type: single nucleotide variant.
Coding change: c.126C>A on transcript NM_000390.4 (MANE Select); coding-DNA position 126, C replaced by A.
Protein change: p.Tyr42Ter; replaces tyrosine 42 with a stop codon.
Molecular consequence: nonsense. On other transcripts: 5 prime UTR variant (4).
Genome position (GRCh38, 1-based): chrX:85,981,800, G>T on the plus strand (C>A on the coding strand, the complement: CHM is on the minus strand). VCF-style: chrX-85981800-G-T. GRCh37 (hg19) VCF-style: chrX-85236804-G-T.
Other names: c.126C>A, p.Tyr42Ter (NM_001145414.4); c.-319C>A (NM_001320959.1, NM_001362517.1); c.-315C>A (NM_001362518.2, NM_001362519.1); short protein forms Y42*.
Identifiers: ClinVar variation 2745345 (VCV002745345.3), dbSNP rs1931628708, ClinGen allele CA413788374.